The following is an entry in ClinVar:

NM_018129.4(PNPO):c.264-3T>C

Gene: PNPO (pyridoxamine 5'-phosphate oxidase; plus strand). Cytogenetic location: 17q21.32.
Variant type: single nucleotide variant.
Coding change: c.264-3T>C on transcript NM_018129.4 (MANE Select); 3 bases into the intron before coding-DNA position 264, T replaced by C.
Molecular consequence: intron variant.
Genome position (GRCh38, 1-based): chr17:47,944,613, T>C. VCF-style: chr17-47944613-T-C. GRCh37 (hg19) VCF-style: chr17-46021979-T-C.
Identifiers: ClinVar variation 2166298 (VCV002166298.4), dbSNP rs2509291805, ClinGen allele CA2580094071.
Genomic context (GRCh38, chr17:47,944,613, plus strand): 5'-GAGGGACTATAGCCAGAACATTGAAGCAGACTCTGACCACAGTGCTCTGCTCTTTGCTCC[T>C]AGAGATGGAAAACCCTCTGCTCGCATGTTGCTGCTGAAGGGCTTCGGGAAAGATGGCTTC-3'

ClinVar aggregate classification (germline): Uncertain significance (1 of 4 stars; one submission).

Conditions:
Pyridoxal phosphate-responsive seizures (PNPOD). Also called: Pyridoxamine 5-Prime-Phosphate Oxidase Deficiency; Pyridoxine-5'-phosphate oxidase deficiency; EPILEPTIC ENCEPHALOPATHY, NEONATAL, PNPO-RELATED; SEIZURES, PYRIDOXINE-RESISTANT, PLP-SENSITIVE; Pyridoxal 5'-Phosphate (PLP)-Dependent Epilepsy. Identifiers: Orphanet 79096, MedGen C1864723, MONDO:0012407, OMIM 610090. Disease mechanism: loss of function.

Submission:

Labcorp Genetics (formerly Invitae), Labcorp
Classification: Uncertain significance for Pyridoxal phosphate-responsive seizures. Last evaluated: 2024-02-24. Review status: criteria provided, single submitter. Criteria: Invitae Variant Classification Sherloc (09022015). Collection method: clinical testing. Allele origin: germline.
Comment: This sequence change falls in intron 2 of the PNPO gene. It does not directly change the encoded amino acid sequence of the PNPO protein. It affects a nucleotide within the consensus splice site. This variant is not present in population databases (gnomAD no frequency). This variant has not been reported in the literature in individuals affected with PNPO-related conditions. ClinVar contains an entry for this variant (Variation ID: 2166298). Variants that disrupt the consensus splice site are a relatively common cause of aberrant splicing (PMID: 17576681, 9536098). Algorithms developed to predict the effect of sequence changes on RNA splicing suggest that this variant is not likely to affect RNA splicing. In summary, the available evidence is currently insufficient to determine the role of this variant in disease. Therefore, it has been classified as a Variant of Uncertain Significance.

Literature cited by the submitters: PubMed 17576681; PubMed 9536098.